The following is an entry in ClinVar:

NM_006767.4(LZTR1):c.173C>A (p.Pro58Gln)

Gene: LZTR1 (leucine zipper like post translational regulator 1; plus strand). Cytogenetic location: 22q11.21.
Variant type: single nucleotide variant.
Coding change: c.173C>A on transcript NM_006767.4 (MANE Select); coding-DNA position 173, C replaced by A.
Protein change: p.Pro58Gln; replaces proline 58 with glutamine.
Molecular consequence: missense variant.
Genome position (GRCh38, 1-based): chr22:20,982,544, C>A. VCF-style: chr22-20982544-C-A. GRCh37 (hg19) VCF-style: chr22-21336833-C-A.
Other names: short protein forms P58Q.
Identifiers: ClinVar variation 4745508 (VCV004745508.1).
Genomic context (GRCh38, chr22:20,982,544, plus strand): 5'-TCGAGTACCTGACGCTCAACTTCGGGCCCTTCGAAACAGTGCATCGCTGGCGGCGCCTCC[C>A]GCCCTGCGACGAGTTCGTGGGTGCCCGGTACGGTGGGCTTCATGGGGTCCTGAGGACAGG-3'
Protein context (NP_006758.2, residues 48-68): FETVHRWRRL[Pro58Gln]PCDEFVGARR

ClinVar aggregate classification (germline): Uncertain significance (1 of 4 stars; one submission).

Submission:

Labcorp Genetics (formerly Invitae), Labcorp
Classification: Uncertain significance. Last evaluated: 2025-11-18. Review status: criteria provided, single submitter. Criteria: Invitae Variant Classification Sherloc (09022015). Collection method: clinical testing. Allele origin: germline.
Comment: This sequence change replaces proline, which is neutral and non-polar, with glutamine, which is neutral and polar, at codon 58 of the LZTR1 protein (p.Pro58Gln). This variant is not present in population databases (gnomAD no frequency). This variant has not been reported in the literature in individuals affected with LZTR1-related conditions. Invitae Evidence Modeling of protein sequence and biophysical properties (such as structural, functional, and spatial information, amino acid conservation, physicochemical variation, residue mobility, and thermodynamic stability) indicates that this missense variant is not expected to disrupt LZTR1 protein function with a negative predictive value of 80%. In summary, the available evidence is currently insufficient to determine the role of this variant in disease. Therefore, it has been classified as a Variant of Uncertain Significance.